The following is an entry in ClinVar:

ClinVar aggregate classification (germline): Uncertain significance (1 of 4 stars; one submission).

Allele frequency attached by ClinVar (database versions not stated): gnomAD exomes below 0.00001.
gnomAD v4.1: 4 of 1,612,270 alleles (0.00025%); highest among the groups gnomAD compares: South Asian, 0.0022%; no homozygotes.

Submission:

Labcorp Genetics (formerly Invitae), Labcorp
Classification: Uncertain significance. Last evaluated: 2024-02-24. Review status: criteria provided, single submitter. Criteria: Invitae Variant Classification Sherloc (09022015). Collection method: clinical testing. Allele origin: germline.
Comment: This sequence change replaces arginine, which is basic and polar, with cysteine, which is neutral and slightly polar, at codon 1488 of the SPTBN2 protein (p.Arg1488Cys). This variant is not present in population databases (gnomAD no frequency). This variant has not been reported in the literature in individuals affected with SPTBN2-related conditions. ClinVar contains an entry for this variant (Variation ID: 1482914). Advanced modeling of protein sequence and biophysical properties (such as structural, functional, and spatial information, amino acid conservation, physicochemical variation, residue mobility, and thermodynamic stability) performed at Invitae indicates that this missense variant is not expected to disrupt SPTBN2 protein function with a negative predictive value of 80%. In summary, the available evidence is currently insufficient to determine the role of this variant in disease. Therefore, it has been classified as a Variant of Uncertain Significance.

NM_006946.4(SPTBN2):c.4462C>T (p.Arg1488Cys)

Gene: SPTBN2 (spectrin beta, non-erythrocytic 2; minus strand). Cytogenetic location: 11q13.2.
Variant type: single nucleotide variant.
Coding change: c.4462C>T on transcript NM_006946.4 (MANE Select); coding-DNA position 4462, C replaced by T.
Protein change: p.Arg1488Cys; replaces arginine 1488 with cysteine.
Molecular consequence: missense variant.
Genome position (GRCh38, 1-based): chr11:66,694,180, G>A on the plus strand (C>T on the coding strand, the complement: SPTBN2 is on the minus strand). VCF-style: chr11-66694180-G-A. GRCh37 (hg19) VCF-style: chr11-66461651-G-A.
Other names: short protein forms R1488C.
Identifiers: ClinVar variation 1482914 (VCV001482914.8), dbSNP rs2135367650, ClinGen allele CA381469977.